The following is an entry in ClinVar:

ClinVar aggregate classification (germline): Uncertain significance (1 of 4 stars; one submission).

Conditions:
Sulfite oxidase deficiency due to molybdenum cofactor deficiency type C. Also called: Molybdenum cofactor deficiency C; Molybdenum cofactor deficiency, complementation group C. Identifiers: Orphanet 308400, Orphanet 833, MedGen C1854990, MONDO:0014212, OMIM 615501.

Allele frequency attached by ClinVar (database versions not stated): TOPMed below 0.00001; gnomAD 0.00001; gnomAD exomes 0.00001; 1000 Genomes Project 30x 0.00016.
gnomAD v4.1: 12 of 1,613,102 alleles (0.00074%); highest among the groups gnomAD compares: Admixed American, 0.0033%; no homozygotes.

Submission:

Labcorp Genetics (formerly Invitae), Labcorp
Classification: Uncertain significance for Sulfite oxidase deficiency due to molybdenum cofactor deficiency type C. Last evaluated: 2025-12-08. Review status: criteria provided, single submitter. Criteria: Invitae Variant Classification Sherloc (09022015). Collection method: clinical testing. Allele origin: germline.
Comment: This sequence change replaces arginine, which is basic and polar, with histidine, which is basic and polar, at codon 560 of the GPHN protein (p.Arg560His). This variant is present in population databases (no rsID available, gnomAD 0.006%). This variant has not been reported in the literature in individuals affected with GPHN-related conditions. ClinVar contains an entry for this variant (Variation ID: 1500950). Invitae Evidence Modeling of protein sequence and biophysical properties (such as structural, functional, and spatial information, amino acid conservation, physicochemical variation, residue mobility, and thermodynamic stability) indicates that this missense variant is expected to disrupt GPHN protein function with a positive predictive value of 80%. In summary, the available evidence is currently insufficient to determine the role of this variant in disease. Therefore, it has been classified as a Variant of Uncertain Significance.

NM_020806.5(GPHN):c.1679G>A (p.Arg560His)

Gene: GPHN (gephyrin; plus strand). Cytogenetic location: 14q23.3.
Variant type: single nucleotide variant.
Coding change: c.1679G>A on transcript NM_020806.5 (MANE Select); coding-DNA position 1679, G replaced by A.
Protein change: p.Arg560His; replaces arginine 560 with histidine.
Molecular consequence: missense variant.
Genome position (GRCh38, 1-based): chr14:67,122,308, G>A. VCF-style: chr14-67122308-G-A. GRCh37 (hg19) VCF-style: chr14-67589025-G-A.
Other names: c.1580G>A, p.Arg527His (NM_001024218.2); c.1739G>A, p.Arg580His (NM_001377514.1); c.1709G>A, p.Arg570His (NM_001377515.1); c.1700G>A, p.Arg567His (NM_001377516.1); c.1652G>A, p.Arg551His (NM_001377517.1); c.1637G>A, p.Arg546His (NM_001377518.1); c.1619G>A, p.Arg540His (NM_001377519.1); short protein forms R527H, R546H, R551H, R540H, R570H, R567H, R580H, R560H.
Identifiers: ClinVar variation 1500950 (VCV001500950.8), dbSNP rs1364702887, ClinGen allele CA390259183.